The following is an entry in ClinVar:

NM_003737.4(DCHS1):c.1457C>T (p.Ala486Val)

Gene: DCHS1 (dachsous cadherin-related 1; minus strand). Cytogenetic location: 11p15.4.
Variant type: single nucleotide variant.
Coding change: c.1457C>T on transcript NM_003737.4 (MANE Select); coding-DNA position 1457, C replaced by T.
Protein change: p.Ala486Val; replaces alanine 486 with valine.
Molecular consequence: missense variant.
Genome position (GRCh38, 1-based): chr11:6,640,157, G>A on the plus strand (C>T on the coding strand, the complement: DCHS1 is on the minus strand). VCF-style: chr11-6640157-G-A. GRCh37 (hg19) VCF-style: chr11-6661388-G-A.
Other names: c.1457C>T (NM_003737.2); short protein forms A486V.
Identifiers: ClinVar variation 1424196 (VCV001424196.9), dbSNP rs147698268, ClinGen allele CA5860965.
Genomic context (GRCh38, chr11:6,640,157, plus strand): 5'-CCATTGGTGCCTTGGTCAGGATCCCGAGCAGTCACCCGCACTACAAAGCTGCCAGGCAGC[G>A]CAACCTCAGGCAGGGGCTCAGGTCGGTAGAGCTGGCGGTCAAAGGCAGGTGCATTGTCGT-3'
Protein context (NP_003728.1, residues 476-496): LYRPEPLPEV[Ala486Val]LPGSFVVRVT

ClinVar aggregate classification (germline): Uncertain significance. Review status: criteria provided, multiple submitters, no conflicts (2 of 4 stars). 4 submissions from 4 submitters: Uncertain significance (4). Last evaluated 2026-01-04.

Conditions:
Van Maldergem syndrome 1 (VMLDS1). Also called: Van Maldergem syndrome 1 (VMLDS1). Identifiers: Orphanet 314679, MedGen C4551950, MONDO:0011070, OMIM 601390.
Inborn genetic diseases. Identifiers: MedGen C0950123, MeSH D030342.
Mitral valve prolapse, myxomatous 2. Also called: MMVP2; Mitral valve prolapse 2. Identifiers: MedGen C1843003, MONDO:0011915, OMIM 607829.

Allele frequency attached by ClinVar (database versions not stated): ExAC 0.00004; gnomAD exomes 0.00007 and 0.00009; ESP Exome Variant Server 0.00015; 1000 Genomes Project 30x 0.00016; gnomAD 0.00016 and 0.00017; 1000 Genomes Project 0.00020; TOPMed 0.00025.
gnomAD v4.1: 158 of 1,613,564 alleles (0.0098%); highest among the groups gnomAD compares: African/African-American, 0.097%; no homozygotes.

Submissions (4):

Labcorp Genetics (formerly Invitae), Labcorp
Classification: Uncertain significance. Last evaluated: 2026-01-04. Review status: criteria provided, single submitter. Criteria: Invitae Variant Classification Sherloc (09022015). Collection method: clinical testing. Allele origin: germline.
Comment: This sequence change replaces alanine, which is neutral and non-polar, with valine, which is neutral and non-polar, at codon 486 of the DCHS1 protein (p.Ala486Val). This variant is present in population databases (rs147698268, gnomAD 0.04%). This variant has not been reported in the literature in individuals affected with DCHS1-related conditions. ClinVar contains an entry for this variant (Variation ID: 1424196). Invitae Evidence Modeling of protein sequence and biophysical properties (such as structural, functional, and spatial information, amino acid conservation, physicochemical variation, residue mobility, and thermodynamic stability) indicates that this missense variant is not expected to disrupt DCHS1 protein function with a negative predictive value of 80%. In summary, the available evidence is currently insufficient to determine the role of this variant in disease. Therefore, it has been classified as a Variant of Uncertain Significance.

Clinical Genomics Laboratory, Washington University in St. Louis
Classification: Uncertain significance for Van Maldergem syndrome 1. Last evaluated: 2024-10-01. Review status: criteria provided, single submitter. Criteria: ACMG Guidelines, 2015. Collection method: clinical testing. Allele origin: germline.
Comment: A DCHS1 c.1457C>T (p.Ala486Val) variant was identified at a heterozygous allelic fraction of 50%, a frequency that may be consistent with germline origin. To our knowledge, this variant has not been reported in the medical literature. It is only observed on 158/1,613,564 alleles in the general population (gnomAD v.4.1.0), indicating it is not a common variant. The DCHS1 c.1457C>T (p.Ala486Val) variant has been reported in the ClinVar database as a germline variant of uncertain significance by two submitters (ClinVar Variation ID: 1424196). Computational predictors suggest that the variant does not impact the DCHS1 function. Due to limited information, and based on ACMG/AMP guidelines for variant interpretation (Richards S et al., PMID: 25741868), the clinical significance of this variant is uncertain at this time.

Pittsburgh Clinical Genomics Laboratory, University of Pittsburgh Medical Center
Classification: Uncertain significance for Mitral valve prolapse, myxomatous 2. Last evaluated: 2024-06-14. Review status: criteria provided, single submitter. Criteria: ACMG Guidelines, 2015. Collection method: clinical testing. Allele origin: germline. Inheritance: Autosomal unknown. Affected: yes.
Comment: This sequence variant is a single nucleotide substitution (C>T) at position 1457 of the coding sequence of the DCHS1 gene that results in an alanine to valine amino acid change at residue 486 of the dachsous cadherin-related 1 protein. The 486 residue falls in the cadherin 5 domain of the protein (UniProt). This is a previously reported variant (ClinVar 1424196) that has not been observed in individuals affected by a DCHS1-related disorder in the published literature, to our knowledge. This variant is present in 158 of 1613564 alleles (0.0098%) in the gnomAD v4.1.0 population dataset. Bioinformatic tools are inconclusive if this amino acid change will be damaging or tolerated, and the Ala486 residue at this position is highly conserved across the mammalian species examined. Studies examining the functional consequence of this variant have not been published, to our knowledge. At this time, there is insufficient evidence to determine if this variant is pathogenic or benign. Therefore, we consider this a variant of uncertain significance. ACMG Criteria: BP1

Ambry Genetics
Classification: Uncertain significance for Inborn genetic diseases. Last evaluated: 2021-12-23. Review status: criteria provided, single submitter. Criteria: Ambry Variant Classification Scheme 2023. Collection method: clinical testing. Allele origin: germline.
Comment: The c.1457C>T (p.A486V) alteration is located in exon 2 (coding exon 1) of the DCHS1 gene. This alteration results from a C to T substitution at nucleotide position 1457, causing the alanine (A) at amino acid position 486 to be replaced by a valine (V). This alteration is predicted to be tolerated by in silico analysis. Based on insufficient or conflicting evidence, the clinical significance of this alteration remains unclear.